The following is an entry in ClinVar:

ClinVar aggregate classification (germline): Uncertain significance (1 of 4 stars; one submission).

Conditions:
Hereditary nonpolyposis colorectal neoplasms. Identifiers: MedGen C0009405, MeSH D003123.

Allele frequency attached by ClinVar (database versions not stated): gnomAD exomes below 0.00001.
gnomAD v4.1: 1 of 1,614,186 alleles (0.000062%); highest among the groups gnomAD compares: South Asian, 0.0011%; no homozygotes.

Submission:

Labcorp Genetics (formerly Invitae), Labcorp
Classification: Uncertain significance for Hereditary nonpolyposis colorectal neoplasms. Last evaluated: 2022-07-21. Review status: criteria provided, single submitter. Criteria: Invitae Variant Classification Sherloc (09022015). Collection method: clinical testing. Allele origin: germline.
Comment: In summary, the available evidence is currently insufficient to determine the role of this variant in disease. Therefore, it has been classified as a Variant of Uncertain Significance. Advanced modeling of protein sequence and biophysical properties (such as structural, functional, and spatial information, amino acid conservation, physicochemical variation, residue mobility, and thermodynamic stability) performed at Invitae indicates that this missense variant is expected to disrupt MSH6 protein function. ClinVar contains an entry for this variant (Variation ID: 841493). This variant has not been reported in the literature in individuals affected with MSH6-related conditions. This variant is not present in population databases (gnomAD no frequency). This sequence change replaces histidine, which is basic and polar, with tyrosine, which is neutral and polar, at codon 588 of the MSH6 protein (p.His588Tyr).

NM_000179.3(MSH6):c.1762C>T (p.His588Tyr)

Gene: MSH6 (mutS homolog 6; plus strand). Cytogenetic location: 2p16.3.
Variant type: single nucleotide variant.
Coding change: c.1762C>T on transcript NM_000179.3 (MANE Select); coding-DNA position 1762, C replaced by T.
Protein change: p.His588Tyr; replaces histidine 588 with tyrosine.
Molecular consequence: missense variant.
Genome position (GRCh38, 1-based): chr2:47,799,745, C>T. VCF-style: chr2-47799745-C-T. GRCh37 (hg19) VCF-style: chr2-48026884-C-T.
Other names: c.1372C>T, p.His458Tyr (NM_001281492.2); c.856C>T, p.His286Tyr (NM_001281493.2, NM_001281494.2); short protein forms H286Y, H588Y, H458Y.
Identifiers: ClinVar variation 841493 (VCV000841493.10), dbSNP rs1669370186, ClinGen allele CA346749064.